The following is an entry in ClinVar:

ClinVar aggregate classification (germline): Pathogenic (1 of 4 stars; one submission).

Conditions:
Ehlers-Danlos syndrome, classic type, 1 (EDSCL1). Also called: EHLERS-DANLOS SYNDROME, GRAVIS TYPE; EHLERS-DANLOS SYNDROME, SEVERE CLASSIC TYPE; EDS I; Ehlers-Danlos Syndrome, Classic Type, COL5A1-Related; Ehlers-Danlos syndrome, type 1. Identifiers: MedGen C0268335, MONDO:0019567, OMIM 130000.

Submission:

Labcorp Genetics (formerly Invitae), Labcorp
Classification: Pathogenic for Ehlers-Danlos syndrome, classic type, 1. Last evaluated: 2019-08-26. Review status: criteria provided, single submitter. Criteria: Invitae Variant Classification Sherloc (09022015). Collection method: clinical testing. Allele origin: germline.
Comment: This variant has not been reported in the literature in individuals with COL5A1-related conditions. For these reasons, this variant has been classified as Pathogenic. Loss-of-function variants in COL5A1 are known to be pathogenic (PMID: 23587214). This variant is not present in population databases (ExAC no frequency). This sequence change creates a premature translational stop signal (p.Asp398Glufs*8) in the COL5A1 gene. It is expected to result in an absent or disrupted protein product.

Literature cited by the submitters: PubMed 23587214.

NM_000093.5(COL5A1):c.1194_1196delinsG (p.Asp398fs)

Gene: COL5A1 (collagen type V alpha 1 chain; plus strand). Cytogenetic location: 9q34.3.
Variant type: Indel.
Coding change: c.1194_1196delinsG on transcript NM_000093.5 (MANE Select); coding-DNA positions 1194 to 1196, TGA replaced by G.
Protein change: p.Asp398fs; shifts the reading frame from aspartic acid 398.
Molecular consequence: frameshift variant.
Genome position (GRCh38, 1-based): chr9:134,731,525-134,731,527, TGA replaced by G. VCF-style: chr9-134731525-TGA-G. GRCh37 (hg19) VCF-style: chr9-137623371-TGA-G.
Other names: c.1194_1196delinsG, p.Asp398fs (NM_001278074.1); short protein forms D398fs.
Identifiers: ClinVar variation 966713 (VCV000966713.6), dbSNP rs1834879370, ClinGen allele CA1139661326.
Genomic context (GRCh38, chr9:134,731,525, plus strand): 5'-GGCAACCCTGCGCCTTCCTCTCCCTCTGCAGCCAGCTCCGCCTCCAGGGGAAGGTGCGGA[TGA>G]CTTGGAGGGGGAGTTCACTGAGGAAACGATCCGGAACCTTGACGAGAACTACTACGACCC-3'